The following is an entry in ClinVar:

NM_000092.5(COL4A4):c.1826del (p.Pro609fs)

Gene: COL4A4 (collagen type IV alpha 4 chain; minus strand). Cytogenetic location: 2q36.3.
Variant type: Deletion.
Coding change: c.1826del on transcript NM_000092.5 (MANE Select); coding-DNA position 1826, one base deleted (C; older notation c.1826delC).
Protein change: p.Pro609fs; shifts the reading frame from proline 609.
Molecular consequence: frameshift variant.
Genome position (GRCh38, 1-based): chr2:227,078,055, G deleted on the plus strand (C on the coding strand, the reverse complement: COL4A4 is on the minus strand); the first of 4 consecutive G bases (chr2:227,078,055-227,078,058); deleting any one gives the same sequence. VCF-style (leftmost placement, unchanged base first): chr2-227078054-TG-T. GRCh37 (hg19) VCF-style: chr2-227942770-TG-T.
Other names: c.1823delC, p.Pro609Glnfs (NM_000092.4); short protein forms P609fs.
Identifiers: ClinVar variation 4817298 (VCV004817298.1).
Genomic context (GRCh38, chr2:227,078,054, plus strand): 5'-GGGCCCCACAGGTCCTGCTTTGCCTGGGGGGCCCAGAGGTCCAGGAAATCCTTTACCACC[TG>T]GGGTCGCATCTTCATGATCCCCCTGGGAATGTTATGTCATGAGTCAATTACCAACCACTG-3'

ClinVar aggregate classification (germline): Pathogenic (1 of 4 stars; one submission).

Conditions:
Alport syndrome. Also called: Hemorrhagic familial nephritis; Hemorrhagic hereditary nephritis; Congenital hereditary hematuria. Identifiers: Orphanet 63, MedGen C1567741, MONDO:0018965.

Submission:

Natera, Inc.
Classification: Pathogenic for Alport syndrome. Last evaluated: 2025-09-04. Review status: criteria provided, single submitter. Criteria: Natera Variant Classification Schema (03/2026). Collection method: clinical testing. Allele origin: germline.
Comment: The c.1826del variant in COL4A4 is a frameshift variant predicted to shift the reading frame beginning at codon 609 and leads to a stop codon 44 codons downstream. This variant is expected to result in nonsense mediated decay, truncation, or a dysfunctional protein product. This variant is rare in the general population with a frequency below the threshold expected for the associated phenotype(s). This variant has been observed in one or more individuals affected with the associated recessive disease, as either homozygous or compound heterozygous with a second variant (PMID: 25596306). Given the available evidence, this variant is classified as Pathogenic.

Literature cited by the submitters: PubMed 25596306.